The following is an entry in ClinVar:

NM_001048174.2(MUTYH):c.305-11C>G

Gene: MUTYH (mutY DNA glycosylase; minus strand). Cytogenetic location: 1p34.1.
Variant type: single nucleotide variant.
Coding change: c.305-11C>G on transcript NM_001048174.2 (MANE Select); 11 bases into the intron before coding-DNA position 305, C replaced by G.
Molecular consequence: intron variant.
Genome position (GRCh38, 1-based): chr1:45,333,181, G>C on the plus strand (C>G on the coding strand, the complement: MUTYH is on the minus strand). VCF-style: chr1-45333181-G-C. GRCh37 (hg19) VCF-style: chr1-45798853-G-C.
Other names: c.33+104C>G (NM_001350651.2, NM_001350650.2); c.29-11C>G (NM_001293192.2, NM_001293196.2); c.305-11C>G (NM_001048171.2, NM_001048173.2, NM_001293195.2); c.350-11C>G (NM_001293190.2); c.380-11C>G (NM_012222.3); c.389-11C>G (NM_001128425.2); c.308-11C>G (NM_001048172.2); c.338-11C>G (NM_001293191.2).
Identifiers: ClinVar variation 918300 (VCV000918300.11), dbSNP rs1488458340, ClinGen allele CA522810472.

ClinVar aggregate classification (germline): Conflicting classifications of pathogenicity. Review status: criteria provided, conflicting classifications (1 of 4 stars). 2 submissions from 2 submitters: Uncertain significance (1); Likely benign (1). Last evaluated 2025-11-23.

Conditions:
Hereditary cancer-predisposing syndrome. Also called: Neoplastic Syndromes, Hereditary; Tumor predisposition; Hereditary Cancer Syndrome; Hereditary neoplastic syndrome. Identifiers: Orphanet 140162, MedGen C0027672, MeSH D009386, MONDO:0015356.
Familial adenomatous polyposis 2. Also called: Adenomas, multiple colorectal; MUTYH Polyposis; COLORECTAL ADENOMATOUS POLYPOSIS, AUTOSOMAL RECESSIVE; ADENOMAS, MULTIPLE COLORECTAL, AUTOSOMAL RECESSIVE; MUTYH-associated polyposis; MUTYH-related attenuated familial adenomatous polyposis. Identifiers: Orphanet 220460, Orphanet 247798, MedGen C3272841, MONDO:0012041, OMIM 608456.

Allele frequency attached by ClinVar (database versions not stated): gnomAD exomes below 0.00001; gnomAD 0.00001; TOPMed 0.00002.
gnomAD v4.1: 3 of 1,614,116 alleles (0.00019%); highest among the groups gnomAD compares: African/African-American, 0.004%; no homozygotes.

Submissions (2):

Labcorp Genetics (formerly Invitae), Labcorp
Classification: Likely benign for Familial adenomatous polyposis 2. Last evaluated: 2025-11-23. Review status: criteria provided, single submitter. Criteria: Invitae Variant Classification Sherloc (09022015). Collection method: clinical testing. Allele origin: germline.

Color Diagnostics, LLC DBA Color Health
Classification: Uncertain significance for Hereditary cancer-predisposing syndrome. Last evaluated: 2019-11-19. Review status: criteria provided, single submitter. Criteria: ACMG Guidelines, 2015. Collection method: clinical testing. Allele origin: germline.
Comment: This variant causes a C>G nucleotide substitution at the -11 position of intron 4 of the MUTYH gene. Splice site prediction tools are inconclusive regarding the impact of this variant on RNA splicing. To our knowledge, functional studies have not been performed for this variant. This variant has not been reported in individuals affected with hereditary cancer in the literature. This variant has been identified in 1/31386 chromosomes in the general population by the Genome Aggregation Database (gnomAD). The available evidence is insufficient to determine the role of this variant in disease conclusively. Therefore, this variant is classified as a Variant of Uncertain Significance.